The following is an entry in ClinVar:

NM_006282.5(STK4):c.297G>A (p.Trp99Ter)

Gene: STK4 (serine/threonine kinase 4; plus strand). Cytogenetic location: 20q13.12.
Variant type: single nucleotide variant.
Coding change: c.297G>A on transcript NM_006282.5 (MANE Select); coding-DNA position 297, G replaced by A.
Protein change: p.Trp99Ter; replaces tryptophan 99 with a stop codon.
Molecular consequence: nonsense.
Genome position (GRCh38, 1-based): chr20:44,981,880, G>A. VCF-style: chr20-44981880-G-A. GRCh37 (hg19) VCF-style: chr20-43610521-G-A.
Other names: c.297G>A, p.Trp99Ter (NM_001352385.2); short protein forms W99*.
Identifiers: ClinVar variation 4695606 (VCV004695606.1).

ClinVar aggregate classification (germline): Pathogenic (1 of 4 stars; one submission).

Conditions:
Combined immunodeficiency due to STK4 deficiency (IMD110). Also called: STK4 DEFICIENCY; MST1 DEFICIENCY; T-cell immunodeficiency, recurrent infections, and autoimmunity with or without cardiac malformations. Identifiers: Orphanet 314689, MedGen C3553943, MONDO:0013934, OMIM 614868.

gnomAD v4.1: 4 of 1,613,880 alleles (0.00025%); highest among the groups gnomAD compares: Non-Finnish European, 0.00034%; no homozygotes.

Submission:

Labcorp Genetics (formerly Invitae), Labcorp
Classification: Pathogenic for Combined immunodeficiency due to STK4 deficiency. Last evaluated: 2025-02-08. Review status: criteria provided, single submitter. Criteria: Invitae Variant Classification Sherloc (09022015). Collection method: clinical testing. Allele origin: germline.
Comment: This sequence change creates a premature translational stop signal (p.Trp99*) in the STK4 gene. It is expected to result in an absent or disrupted protein product. Loss-of-function variants in STK4 are known to be pathogenic (PMID: 22174160). This variant is present in population databases (rs371926152, gnomAD 0.0009%). This variant has not been reported in the literature in individuals affected with STK4-related conditions. For these reasons, this variant has been classified as Pathogenic.

Literature cited by the submitters: PubMed 22174160.